The following is an entry in ClinVar:

NM_001171613.2(PREPL):c.-49+1780A>G

Gene: PREPL (prolyl endopeptidase like; minus strand). Cytogenetic location: 2p21.
Variant type: single nucleotide variant.
Coding change: c.-49+1780A>G on transcript NM_001171613.2 (MANE Select); 1780 bases into the intron after 49 bases upstream of the start codon, A replaced by G.
Molecular consequence: intron variant. On other transcripts: missense variant (7).
Genome position (GRCh38, 1-based): chr2:44,359,600, T>C on the plus strand (A>G on the coding strand, the complement: PREPL is on the minus strand). VCF-style: chr2-44359600-T-C. GRCh37 (hg19) VCF-style: chr2-44586739-T-C.
Other names: c.116A>G, p.Asn39Ser (NM_001042385.2, NM_001042386.2, NM_001171603.1 and 4 more transcripts); c.-49+1924A>G (NM_001171617.1); c.-49+1817A>G (NM_001374277.1); short protein forms N39S.
Identifiers: ClinVar variation 1512130 (VCV001512130.5), dbSNP rs769195229, ClinGen allele CA1641745.

ClinVar aggregate classification (germline): Uncertain significance (1 of 4 stars; one submission).

Conditions:
Myasthenic syndrome, congenital, 22 (CMS22). Also called: PREPL DEFICIENCY. Identifiers: MedGen C4479088, MONDO:0044299, OMIM 616224.

Allele frequency attached by ClinVar (database versions not stated): gnomAD exomes 0.00001; gnomAD 0.00003; ExAC 0.00001; TOPMed 0.00002.

Submission:

Labcorp Genetics (formerly Invitae), Labcorp
Classification: Uncertain significance for Myasthenic syndrome, congenital, 22. Last evaluated: 2021-08-30. Review status: criteria provided, single submitter. Criteria: Invitae Variant Classification Sherloc (09022015). Collection method: clinical testing. Allele origin: germline.
Comment: This sequence change replaces asparagine with serine at codon 39 of the PREPL protein (p.Asn39Ser). The asparagine residue is moderately conserved and there is a small physicochemical difference between asparagine and serine. This variant is present in population databases (rs769195229, ExAC 0.006%). This variant has not been reported in the literature in individuals affected with PREPL-related conditions. Algorithms developed to predict the effect of missense changes on protein structure and function output the following: SIFT: "Tolerated"; PolyPhen-2: "Benign"; Align-GVGD: "Class C0". The serine amino acid residue is found in multiple mammalian species, which suggests that this missense change does not adversely affect protein function. Algorithms developed to predict the effect of sequence changes on RNA splicing suggest that this variant may create or strengthen a splice site. In summary, the available evidence is currently insufficient to determine the role of this variant in disease. Therefore, it has been classified as a Variant of Uncertain Significance.